The following is an entry in ClinVar:

NM_001447.3(FAT2):c.3960C>G (p.Asp1320Glu)

Genes: FAT2 (FAT atypical cadherin 2; minus strand), SLC36A1 (solute carrier family 36 member 1; plus strand). Cytogenetic location: 5q33.1.
Variant type: single nucleotide variant.
Coding change: c.3960C>G on transcript NM_001447.3 (MANE Select); coding-DNA position 3960, C replaced by G.
Protein change: p.Asp1320Glu; replaces aspartic acid 1320 with glutamic acid.
Molecular consequence: missense variant.
Genome position (GRCh38, 1-based): chr5:151,553,373, G>C on the plus strand (C>G on the coding strand, the complement: FAT2 is on the minus strand). VCF-style: chr5-151553373-G-C. GRCh37 (hg19) VCF-style: chr5-150932934-G-C.
Other names: c.3960C>G (NM_001447.2); short protein forms D1320E.
Identifiers: ClinVar variation 2201015 (VCV002201015.5), dbSNP rs1048112565, ClinGen allele CA129970185.
Genomic context (GRCh38, chr5:151,553,373, plus strand): 5'-GGGCCAAGGGATCCACTCAATGTGTAGCCGGACACTGGCTGAGAGTGGTGGCTGCCCACT[G>C]TCTGTTGCCTTGATCTGAAAGGAGGCCAACACCAAAACTGAGGTTTGGGGCCAAGAGACA-3'
Protein context (NP_001438.1, residues 1310-1330): EYNILTIKAT[Asp1320Glu]SGQPPLSASV

ClinVar aggregate classification (germline): Uncertain significance. Review status: criteria provided, multiple submitters, no conflicts (2 of 4 stars). 2 submissions from 2 submitters: Uncertain significance (2). Last evaluated 2025-10-21.

Allele frequency attached by ClinVar (database versions not stated): gnomAD 0.00001; gnomAD exomes 0.00001; TOPMed 0.00002.
gnomAD v4.1: 10 of 1,614,058 alleles (0.00062%); highest among the groups gnomAD compares: Admixed American, 0.01%; no homozygotes.

Submissions (2):

Ambry Genetics
Classification: Uncertain significance. Last evaluated: 2025-10-21. Review status: criteria provided, single submitter. Criteria: Ambry Variant Classification Scheme 2023. Collection method: clinical testing. Allele origin: germline.

Labcorp Genetics (formerly Invitae), Labcorp
Classification: Uncertain significance. Last evaluated: 2023-08-10. Review status: criteria provided, single submitter. Criteria: Invitae Variant Classification Sherloc (09022015). Collection method: clinical testing. Allele origin: germline.
Comment: In summary, the available evidence is currently insufficient to determine the role of this variant in disease. Therefore, it has been classified as a Variant of Uncertain Significance. Advanced modeling of protein sequence and biophysical properties (such as structural, functional, and spatial information, amino acid conservation, physicochemical variation, residue mobility, and thermodynamic stability) performed at Invitae indicates that this missense variant is not expected to disrupt FAT2 protein function. ClinVar contains an entry for this variant (Variation ID: 2201015). This variant has not been reported in the literature in individuals affected with FAT2-related conditions. This variant is present in population databases (no rsID available, gnomAD 0.01%). This sequence change replaces aspartic acid, which is acidic and polar, with glutamic acid, which is acidic and polar, at codon 1320 of the FAT2 protein (p.Asp1320Glu).